The following is an entry in ClinVar:

ClinVar aggregate classification (germline): Uncertain significance (1 of 4 stars; one submission).

Conditions:
Intellectual developmental disorder, autosomal dominant 52. Also called: Intellectual disability, autosomal dominant 52; Mental retardation, autosomal dominant 52. Identifiers: MedGen C4540478, MONDO:0030918, OMIM 617796.

gnomAD v4.1: 3 of 1,613,914 alleles (0.00019%); highest among the groups gnomAD compares: South Asian, 0.0033%; no homozygotes.

Submission:

Neuberg Centre For Genomic Medicine, NCGM
Classification: Uncertain significance for Intellectual developmental disorder, autosomal dominant 52. Last evaluated: 2024-02-01. Review status: criteria provided, single submitter. Criteria: ACMG Guidelines, 2015. Collection method: clinical testing. Allele origin: germline. Inheritance: Autosomal dominant inheritance.
Comment: The above variant has not been reported previously as a pathogenic variant nor as a benign variant, to our knowledge. For these reasons, this variant has been classified as Variant of Uncertain Significance (VUS).

NM_018489.3(ASH1L):c.65G>A (p.Ser22Asn)

Gene: ASH1L (ASH1 like histone lysine methyltransferase; minus strand). Cytogenetic location: 1q22.
Variant type: single nucleotide variant.
Coding change: c.65G>A on transcript NM_018489.3 (MANE Select); coding-DNA position 65, G replaced by A.
Protein change: p.Ser22Asn; replaces serine 22 with asparagine.
Molecular consequence: missense variant.
Genome position (GRCh38, 1-based): chr1:155,521,455, C>T on the plus strand (G>A on the coding strand, the complement: ASH1L is on the minus strand). VCF-style: chr1-155521455-C-T. GRCh37 (hg19) VCF-style: chr1-155491246-C-T.
Other names: c.65G>A, p.Ser22Asn (NM_001366177.2); short protein forms S22N.
Identifiers: ClinVar variation 3898033 (VCV003898033.1).